The following is an entry in ClinVar:

ClinVar aggregate classification (germline): Uncertain significance (1 of 4 stars; one submission).

Submission:

GeneDx
Classification: Uncertain significance. Last evaluated: 2019-08-08. Review status: criteria provided, single submitter. Criteria: GeneDx Variant Classification Process June 2021. Collection method: clinical testing. Allele origin: germline. Affected: yes.
Comment: Not observed in large population cohorts (Lek et al., 2016); In silico analysis, which includes protein predictors and evolutionary conservation, supports a deleterious effect; Has not been previously published as pathogenic or benign to our knowledge

NM_024665.7(TBL1XR1):c.948G>T (p.Trp316Cys)

Genes: TBL1XR1 (TBL1X/Y related 1; minus strand), TBL1XR1-AS1 (TBL1XR1 antisense RNA 1; plus strand), LOC126806878 (CDK7 strongly-dependent group 2 enhancer GRCh37_chr3:176755168-176756367; plus strand). Cytogenetic location: 3q26.32.
Variant type: single nucleotide variant.
Coding change: c.948G>T on transcript NM_024665.7 (MANE Select); coding-DNA position 948, G replaced by T.
Protein change: p.Trp316Cys; replaces tryptophan 316 with cysteine.
Molecular consequence: missense variant.
Genome position (GRCh38, 1-based): chr3:177,038,412, C>A on the plus strand (G>T on the coding strand, the complement: TBL1XR1 is on the minus strand). VCF-style: chr3-177038412-C-A. GRCh37 (hg19) VCF-style: chr3-176756200-C-A.
Other names: c.948G>T, p.Trp316Cys (NM_001321193.3, NM_001321194.3, NM_001374327.1 and 2 more transcripts); c.687G>T, p.Trp229Cys (NM_001321195.3, NM_001374330.1); short protein forms W229C, W316C.
Identifiers: ClinVar variation 1219740 (VCV001219740.3), dbSNP rs2108437391, ClinGen allele CA355555457.
Genomic context (GRCh38, chr3:177,038,412, plus strand): 5'-TAATTTACAGACATGAATGCACATATCTGTACTACAAGAAGCAAAGGTGTTGTTGCTCTG[C>A]CAATCAACATCCAATGCTGGTGCTGCAAAGGAACAAAGGTTAGATTTGCTTTTATTCCAC-3'
Protein context (NP_078941.2, residues 306-326): FHSAPALDVD[Trp316Cys]QSNNTFASCS